The following is an entry in ClinVar:

ClinVar aggregate classification (germline): Uncertain significance (1 of 4 stars; one submission).

Allele frequency attached by ClinVar (database versions not stated): ESP Exome Variant Server 0.00008; gnomAD exomes below 0.00001.
gnomAD v4.1: 3 of 1,613,950 alleles (0.00019%); highest among the groups gnomAD compares: Non-Finnish European, 0.00025%; no homozygotes.

Submission:

Labcorp Genetics (formerly Invitae), Labcorp
Classification: Uncertain significance. Last evaluated: 2025-07-07. Review status: criteria provided, single submitter. Criteria: Invitae Variant Classification Sherloc (09022015). Collection method: clinical testing. Allele origin: germline.
Comment: This sequence change replaces arginine, which is basic and polar, with glycine, which is neutral and non-polar, at codon 2340 of the FN1 protein (p.Arg2340Gly). This variant is present in population databases (rs376751520, gnomAD 0.0009%). This variant has not been reported in the literature in individuals affected with FN1-related conditions. ClinVar contains an entry for this variant (Variation ID: 3014541). An algorithm developed to predict the effect of missense changes on protein structure and function (PolyPhen-2) suggests that this variant is likely to be tolerated. In summary, the available evidence is currently insufficient to determine the role of this variant in disease. Therefore, it has been classified as a Variant of Uncertain Significance.

NM_212482.4(FN1):c.7018A>G (p.Arg2340Gly)

Genes: ATIC (5-aminoimidazole-4-carboxamide ribonucleotide formyltransferase/IMP cyclohydrolase; plus strand), FN1 (fibronectin 1; minus strand). Cytogenetic location: 2q35.
Variant type: single nucleotide variant.
Coding change: c.7018A>G on transcript NM_212482.4 (MANE Select); coding-DNA position 7018, A replaced by G.
Protein change: p.Arg2340Gly; replaces arginine 2340 with glycine.
Molecular consequence: missense variant.
Genome position (GRCh38, 1-based): chr2:215,367,863, T>C on the plus strand (A>G on the coding strand, the complement: FN1 is on the minus strand). VCF-style: chr2-215367863-T-C. GRCh37 (hg19) VCF-style: chr2-216232586-T-C.
Other names: c.6925A>G, p.Arg2309Gly (NM_001306129.2); c.6388A>G, p.Arg2130Gly (NM_001306130.2); c.6382A>G, p.Arg2128Gly (NM_001306131.2); c.6307A>G, p.Arg2103Gly (NM_001306132.2); c.6748A>G, p.Arg2250Gly (NM_001365517.2); c.6745A>G, p.Arg2249Gly (NM_001365518.2); c.6673A>G, p.Arg2225Gly (NM_001365519.2); c.6670A>G, p.Arg2224Gly (NM_001365520.2); and 8 more; short protein forms R2103G, R2129G, R2134G, R2039G, R2128G, R2159G, R2218G, R2219G.
Identifiers: ClinVar variation 3014541 (VCV003014541.3), dbSNP rs376751520, ClinGen allele CA64839885.